The following is an entry in ClinVar:

NM_138694.4(PKHD1):c.2006G>A (p.Arg669His)

Gene: PKHD1 (PKHD1 ciliary IPT domain containing fibrocystin/polyductin; minus strand). Cytogenetic location: 6p12.2.
Variant type: single nucleotide variant.
Coding change: c.2006G>A on transcript NM_138694.4 (MANE Select); coding-DNA position 2006, G replaced by A.
Protein change: p.Arg669His; replaces arginine 669 with histidine.
Molecular consequence: missense variant.
Genome position (GRCh38, 1-based): chr6:52,053,210, C>T on the plus strand (G>A on the coding strand, the complement: PKHD1 is on the minus strand). VCF-style: chr6-52053210-C-T. GRCh37 (hg19) VCF-style: chr6-51918008-C-T.
Other names: c.2006G>A, p.Arg669His (NM_170724.3); short protein forms R669H.
Identifiers: ClinVar variation 357445 (VCV000357445.66), dbSNP rs200497761, ClinGen allele CA3853359.
Genomic context (GRCh38, chr6:52,053,210, plus strand): 5'-TTGATCTGATGAACCAGCACTGGGGAGTTTGCCGGAGGGGGCTGGAGATCCCCGAAGCAA[C>T]GCACACAAGTCTCCCAGAGGTCAGTGCAATCGAACTGCCAGCTGAAAAACAGCATGGAGC-3'
Protein context (NP_619639.3, residues 659-679): DCTDLWETCV[Arg669His]CFGDLQPPPA

ClinVar aggregate classification (germline): Conflicting classifications of pathogenicity. Review status: criteria provided, conflicting classifications (1 of 4 stars). 10 submissions from 10 submitters: Uncertain significance (7); Likely benign (2). 1 of the submissions does not count toward it. Last evaluated 2026-09-13.

Conditions:
Autosomal recessive polycystic kidney disease (ARPKD). Also called: AR polycystic kidney disease. Identifiers: Orphanet 731, Orphanet 8378, MedGen C0085548, MeSH D017044, MONDO:0009889.
Polycystic kidney disease 4 (PKD4). Also called: POLYCYSTIC KIDNEY DISEASE 4 WITH OR WITHOUT POLYCYSTIC LIVER DISEASE; Autosomal Recessive Polycystic Kidney Disease – PKHD1; POLYCYSTIC KIDNEY AND HEPATIC DISEASE 1; POLYCYSTIC KIDNEY DISEASE, INFANTILE, TYPE I; PKD3. Identifiers: MedGen C4540575, MONDO:0033004, OMIM 263200.
Hereditary disease. Also called: mendelian disease; Hereditary Disorder. Identifiers: MedGen C0019247, MONDO:0003847.
PKHD1-related disorder. Also called: PKHD1-related condition.

Allele frequency attached by ClinVar (database versions not stated): ESP Exome Variant Server 0.00015; gnomAD 0.00016 and 0.00018; 1000 Genomes Project 0.00020; TOPMed 0.00027; 1000 Genomes Project 30x 0.00031; ExAC 0.00033; gnomAD exomes 0.00041.
gnomAD v4.1: 344 of 1,614,174 alleles (0.021%); highest among the groups gnomAD compares: Admixed American, 0.058%; no homozygotes.

Submissions (10):

PreventionGenetics, part of Exact Sciences
Classification: Uncertain significance for PKHD1-related condition. Last evaluated: 2026-09-13. Review status: criteria provided, single submitter. Criteria: ACMG Guidelines, 2015. Collection method: clinical testing. Allele origin: germline.
Comment: The PKHD1 c.2006G>A variant is predicted to result in the amino acid substitution p.Arg669His. This variant has been reported in the compound heterozygous state with a benign missense variant c.11525G>T (p.Arg3842Leu) in an individual with focal segmental glomerulosclerosis (FSGS) (Case CPMC52 in Table S4, Wang et al 2019. PubMed ID: 31308072). This variant is reported in 0.12% of alleles in individuals of Ashkenazi Jewish descent in gnomAD. Although we suspect that this variant may be benign, at this time, the clinical significance of this variant is uncertain due to the absence of conclusive functional and genetic evidence.

GeneDx
Classification: Uncertain significance. Last evaluated: 2026-04-03. Review status: criteria provided, single submitter. Criteria: GeneDx Variant Classification Process June 2021. Collection method: clinical testing. Allele origin: germline.
Comment: Observed in a patient with focal segmental glomerulosclerosis in published literature (PMID: 31308072); In silico analysis suggests that this missense variant does not alter protein structure/function; This variant is associated with the following publications: (PMID: 31308072)

Labcorp Genetics (formerly Invitae), Labcorp
Classification: Likely benign for Autosomal recessive polycystic kidney disease. Last evaluated: 2026-01-25. Review status: criteria provided, single submitter. Criteria: Invitae Variant Classification Sherloc (09022015). Collection method: clinical testing. Allele origin: germline.

Blueprint Genetics
Classification: Likely benign. Last evaluated: 2024-11-12. Review status: criteria provided, single submitter. Criteria: ACMG Guidelines, 2015. Collection method: clinical testing. Allele origin: germline.

Fulgent Genetics
Classification: Uncertain significance for Polycystic kidney disease 4. Last evaluated: 2024-03-20. Review status: criteria provided, single submitter. Criteria: ACMG Guidelines, 2015. Collection method: clinical testing. Allele origin: germline.

Baylor Genetics
Classification: Uncertain significance for Polycystic kidney disease 4. Last evaluated: 2018-12-13. Review status: criteria provided, single submitter. Criteria: ACMG Guidelines, 2015. Collection method: clinical testing. Allele origin: unknown. Affected: yes.
Comment: This variant was determined to be of uncertain significance according to ACMG Guidelines, 2015 [PMID:25741868].

Illumina Laboratory Services, Illumina
Classification: Uncertain significance for Polycystic kidney disease 4. Last evaluated: 2018-01-13. Review status: criteria provided, single submitter. Criteria: ICSL Variant Classification Criteria 13 December 2019. Collection method: clinical testing. Allele origin: germline.

Eurofins Ntd Llc (ga)
Classification: Uncertain significance. Last evaluated: 2017-05-24. Review status: criteria provided, single submitter. Criteria: EGL Classification Definitions 2015. Collection method: clinical testing. Allele origin: germline. Observed: 4 variant alleles, 4 heterozygotes.

CeGaT Center for Human Genetics Tuebingen
Classification: Uncertain significance. Last evaluated: 2016-07-01. Review status: criteria provided, single submitter. Criteria: CeGaT Center For Human Genetics Tuebingen Variant Classification Criteria Version 2. Collection method: clinical testing. Allele origin: germline. Affected: yes. Observed: 1 variant allele.

Natera, Inc.
Classification: Uncertain significance for Hereditary Disorder. Last evaluated: 2020-05-01. Review status: no assertion criteria provided. Collection method: clinical testing. Allele origin: germline. Not counted in ClinVar's aggregate classification.